The following is an entry in ClinVar:

NM_005359.6(SMAD4):c.903del (p.Trp302fs)

Gene: SMAD4 (SMAD family member 4; plus strand). Cytogenetic location: 18q21.2.
Variant type: Deletion.
Coding change: c.903del on transcript NM_005359.6 (MANE Select); coding-DNA position 903, one base deleted (C; older notation c.903delC).
Protein change: p.Trp302fs; shifts the reading frame from tryptophan 302.
Molecular consequence: frameshift variant.
Genome position (GRCh38, 1-based): chr18:51,058,455, C deleted. VCF-style (leftmost placement, unchanged base first): chr18-51058454-AC-A. GRCh37 (hg19) VCF-style: chr18-48584824-AC-A.
Other names: c.903delC (NM_005359.5); short protein forms W302fs.
Identifiers: ClinVar variation 486981 (VCV000486981.5), dbSNP rs1555685978, ClinGen allele CA658658743.
Genomic context (GRCh38, chr18:51,058,454, plus strand): 5'-CTCACCACCAAAACGGCCATCTTCAGCACCACCCGCCTATGCCGCCCCATCCCGGACATT[AC>A]TGTAAGCTCTTGTTTTTGTTGTAAGGGCTATTTTTTTTTTTTTTTTGGTAGGGCTTTGTT-3'

ClinVar aggregate classification (germline): Pathogenic (1 of 4 stars; one submission).

Conditions:
Hereditary cancer-predisposing syndrome. Also called: Tumor predisposition; Hereditary Cancer Syndrome; Hereditary neoplastic syndrome; Neoplastic Syndromes, Hereditary. Identifiers: Orphanet 140162, MedGen C0027672, MeSH D009386, MONDO:0015356.
Familial thoracic aortic aneurysm and aortic dissection (TAAD). Also called: Thoracic aortic aneurysms and dissections. Identifiers: Orphanet 91387, MedGen C4707243, MONDO:0019625.

Submission:

Ambry Genetics
Classification: Pathogenic for Hereditary cancer-predisposing syndrome; Familial thoracic aortic aneurysm and aortic dissection. Last evaluated: 2016-03-03. Review status: criteria provided, single submitter. Criteria: Ambry Variant Classification Scheme 2023. Collection method: clinical testing. Allele origin: germline.
Comment: The c.903delC pathogenic mutation, located in coding exon 6 of the SMAD4 gene, results from a deletion of one nucleotide at position 903, causing a translational frameshift with a predicted alternate stop codon. Since frameshifts are typically deleterious in nature, this alteration is interpreted as a disease-causing mutation (ACMG Recommendations for Standards for Interpretation and Reporting of Sequence Variations. Revision 2007. Genet Med. 2008;10:294).